The following is an entry in ClinVar:

ClinVar aggregate classification (germline): Uncertain significance. Review status: criteria provided, multiple submitters, no conflicts (2 of 4 stars). 2 submissions from 2 submitters: Uncertain significance (2). Last evaluated 2023-10-25.

Conditions:
Oligodontia-cancer predisposition syndrome. Also called: TOOTH AGENESIS-COLORECTAL CANCER SYNDROME. Identifiers: Orphanet 300576, MedGen C1837750, MONDO:0012075, OMIM 608615. Disease mechanism: loss of function.
Hereditary cancer-predisposing syndrome. Also called: Neoplastic Syndromes, Hereditary; Tumor predisposition; Hereditary Cancer Syndrome; Hereditary neoplastic syndrome. Identifiers: Orphanet 140162, MedGen C0027672, MeSH D009386, MONDO:0015356.

Allele frequency attached by ClinVar (database versions not stated): gnomAD 0.00001.

Submissions (2):

Ambry Genetics
Classification: Uncertain significance for Hereditary cancer-predisposing syndrome. Last evaluated: 2023-10-25. Review status: criteria provided, single submitter. Criteria: Ambry Variant Classification Scheme 2023. Collection method: clinical testing. Allele origin: germline.
Comment: The p.H677R variant (also known as c.2030A>G), located in coding exon 7 of the AXIN2 gene, results from an A to G substitution at nucleotide position 2030. The histidine at codon 677 is replaced by arginine, an amino acid with highly similar properties. This amino acid position is conserved. In addition, the in silico prediction for this alteration is inconclusive. Since supporting evidence is limited at this time, the clinical significance of this alteration remains unclear.

Labcorp Genetics (formerly Invitae), Labcorp
Classification: Uncertain significance for Oligodontia-cancer predisposition syndrome. Last evaluated: 2021-08-24. Review status: criteria provided, single submitter. Criteria: Invitae Variant Classification Sherloc (09022015). Collection method: clinical testing. Allele origin: germline.
Comment: This sequence change replaces histidine with arginine at codon 677 of the AXIN2 protein (p.His677Arg). The histidine residue is moderately conserved and there is a small physicochemical difference between histidine and arginine. This variant is not present in population databases (ExAC no frequency). This variant has not been reported in the literature in individuals affected with AXIN2-related conditions. Algorithms developed to predict the effect of missense changes on protein structure and function are either unavailable or do not agree on the potential impact of this missense change (SIFT: "Tolerated"; PolyPhen-2: "Possibly Damaging"; Align-GVGD: "Class C0"). In summary, the available evidence is currently insufficient to determine the role of this variant in disease. Therefore, it has been classified as a Variant of Uncertain Significance.

NM_004655.4(AXIN2):c.2030A>G (p.His677Arg)

Gene: AXIN2 (axin 2; minus strand). Cytogenetic location: 17q24.1.
Variant type: single nucleotide variant.
Coding change: c.2030A>G on transcript NM_004655.4 (MANE Select); coding-DNA position 2030, A replaced by G.
Protein change: p.His677Arg; replaces histidine 677 with arginine.
Molecular consequence: missense variant.
Genome position (GRCh38, 1-based): chr17:65,536,431, T>C on the plus strand (A>G on the coding strand, the complement: AXIN2 is on the minus strand). VCF-style: chr17-65536431-T-C. GRCh37 (hg19) VCF-style: chr17-63532549-T-C.
Other names: c.1835A>G, p.His612Arg (NM_001363813.1); c.2030A>G (LRG_296t1); short protein forms H677R, H612R.
Identifiers: ClinVar variation 464591 (VCV000464591.6), dbSNP rs1555577107, ClinGen allele CA400676129.
Genomic context (GRCh38, chr17:65,536,431, plus strand): 5'-AGCTGAGCCAGCGTGTTGGGTGGGGTCAGGGGAGGCATCGCAGGGTCCTGGGTGAACAGG[T>C]GGGCACGGGGGGTGGTGCGGGGGTGCCCGCTGTTGCCCCCCCACAGATGGTGCCGGCTGG-3'
Protein context (NP_004646.3, residues 667-687): SGHPRTTPRA[His677Arg]LFTQDPAMPP